The following is an entry in ClinVar:

NM_207352.4(CYP4V2):c.197T>G (p.Met66Arg)

Gene: CYP4V2 (cytochrome P450 family 4 subfamily V member 2; plus strand). Cytogenetic location: 4q35.1.
Variant type: single nucleotide variant.
Coding change: c.197T>G on transcript NM_207352.4 (MANE Select); coding-DNA position 197, T replaced by G.
Protein change: p.Met66Arg; replaces methionine 66 with arginine.
Molecular consequence: missense variant.
Genome position (GRCh38, 1-based): chr4:186,192,020, T>G. VCF-style: chr4-186192020-T-G. GRCh37 (hg19) VCF-style: chr4-187113174-T-G.
Other names: short protein forms M66R.
Identifiers: ClinVar variation 438149 (VCV000438149.10), dbSNP rs745413794, ClinGen allele CA3162436.

ClinVar aggregate classification (germline): Pathogenic/Likely pathogenic. Review status: criteria provided, multiple submitters, no conflicts (2 of 4 stars). 4 submissions from 4 submitters: Pathogenic (2); Likely pathogenic (1). 1 of the submissions does not count toward it. Last evaluated 2025-12-06.

Conditions:
CYP4V2-related disorder. Also called: CYP4V2-related condition; CYP4V2-related disorders.
Retinitis pigmentosa (RP). Identifiers: Orphanet 791, MedGen C0035334, MeSH D012174, MONDO:0019200, OMIM 268000. Inheritance: Autosomal dominant, autosomal recessive and X linked inheritance.
Bietti crystalline corneoretinal dystrophy (BCD). Also called: BIETTI TAPETORETINAL DEGENERATION WITH MARGINAL CORNEAL DYSTROPHY; Bietti Crystalline Dystrophy. Identifiers: Orphanet 41751, MedGen C1859486, MONDO:0008865, OMIM 210370.

Allele frequency attached by ClinVar (database versions not stated): gnomAD below 0.00001 and 0.00001; gnomAD exomes 0.00002 and 0.00004; ExAC 0.00006.
gnomAD v4.1: 35 of 1,581,278 alleles (0.0022%); highest among the groups gnomAD compares: South Asian, 0.04%; no homozygotes.

Submissions (4):

Labcorp Genetics (formerly Invitae), Labcorp
Classification: Pathogenic. Last evaluated: 2025-12-06. Review status: criteria provided, single submitter. Criteria: Invitae Variant Classification Sherloc (09022015). Collection method: clinical testing. Allele origin: germline.
Comment: This sequence change replaces methionine, which is neutral and non-polar, with arginine, which is basic and polar, at codon 66 of the CYP4V2 protein (p.Met66Arg). This variant is present in population databases (rs745413794, gnomAD 0.03%). This missense change has been observed in individual(s) with CYP4V2-related conditions (PMID: 24480711, 28041643). ClinVar contains an entry for this variant (Variation ID: 438149). Invitae Evidence Modeling of protein sequence and biophysical properties (such as structural, functional, and spatial information, amino acid conservation, physicochemical variation, residue mobility, and thermodynamic stability) has been performed for this missense variant. However, the output from this modeling did not meet the statistical confidence thresholds required to predict the impact of this variant on CYP4V2 protein function. For these reasons, this variant has been classified as Pathogenic.

First Genomix Gene Laboratory, Genetic Diagnostics Department
Classification: Likely pathogenic for Bietti crystalline corneoretinal dystrophy. Last evaluated: 2025-09-08. Review status: criteria provided, single submitter. Criteria: ACMG Guidelines, 2015. Collection method: clinical testing. Allele origin: germline. Inheritance: Autosomal recessive inheritance. Affected: no. Observed: 1 variant allele.

Blueprint Genetics
Classification: Pathogenic for CYP4V2-related disorders. Last evaluated: 2018-09-21. Review status: criteria provided, single submitter. Criteria: ACMG Guidelines, 2015. Collection method: clinical testing. Allele origin: germline. Affected: yes. Observed: 2 variant alleles.

NIHR Bioresource Rare Diseases, University of Cambridge
Classification: Likely pathogenic for Retinitis pigmentosa. Last evaluated: 2015-01-01. Review status: no assertion criteria provided. Collection method: research. Allele origin: unknown. Affected: yes. Observed: 1 variant allele. Not counted in ClinVar's aggregate classification.

Literature cited by the submitters: PubMed 24480711 (cited by Labcorp Genetics (formerly Invitae), Labcorp and NIHR Bioresource Rare Diseases, University of Cambridge); PubMed 28041643 (cited by Labcorp Genetics (formerly Invitae), Labcorp and NIHR Bioresource Rare Diseases, University of Cambridge).